The following is an entry in ClinVar:

ClinVar aggregate classification (germline): Uncertain significance. Review status: criteria provided, single submitter (1 of 4 stars). 2 submissions from 2 submitters: Uncertain significance (1). 1 of the submissions does not count toward it. Last evaluated 2025-07-22.

Conditions:
Glycogen storage disease, type IV (GSD4). Also called: AMYLOPECTINOSIS; ANDERSEN DISEASE; BRANCHER DEFICIENCY; CIRRHOSIS, FAMILIAL, WITH DEPOSITION OF ABNORMAL GLYCOGEN; GBE1 DEFICIENCY; GLYCOGEN BRANCHING ENZYME DEFICIENCY. Identifiers: Orphanet 367, MedGen C0017923, MONDO:0009292, OMIM 232500.

Allele frequency attached by ClinVar (database versions not stated): gnomAD exomes below 0.00001.
gnomAD v4.1: 1 of 1,609,692 alleles (0.000062%); highest among the groups gnomAD compares: Non-Finnish European, 0.000085%; no homozygotes.

Submissions (2):

Women's Health and Genetics/Laboratory Corporation of America, LabCorp
Classification: Uncertain significance. Last evaluated: 2025-07-22. Review status: criteria provided, single submitter. Criteria: LabCorp Variant Classification Summary - May 2015. Collection method: clinical testing. Allele origin: germline.
Comment: Variant summary: GBE1 c.1496T>A (p.Met499Lys) results in a non-conservative amino acid change in the encoded protein sequence. Algorithms developed to predict the effect of missense changes on protein structure and function all suggest that this variant is likely to be disruptive. The variant was absent in 242116 control chromosomes. The available data on variant occurrences in the general population are insufficient to allow any conclusion about variant significance. c.1496T>A has been observed in individual(s) affected with congenital myopathy (example: Summa_2023) IV. These data do not allow any conclusion about variant significance. The following publication has been ascertained in the context of this evaluation (PMID: 36697461).ClinVar contains an entry for this variant (Variation ID: 1695411). Based on the evidence outlined above, the variant was classified as uncertain significance.

Center of Excellence for Medical Genomics, Chulalongkorn University
Classification: Likely pathogenic for Glycogen storage disease, type IV. Last evaluated: 2022-09-08. Review status: no assertion criteria provided. Criteria: ACMG Guidelines, 2015. Collection method: research. Allele origin: maternal. Affected: yes. Not counted in ClinVar's aggregate classification.

Literature cited by the submitters: PubMed 36697461 (cited by Women's Health and Genetics/Laboratory Corporation of America, LabCorp).

NM_000158.4(GBE1):c.1496T>A (p.Met499Lys)

Gene: GBE1 (1,4-alpha-glucan branching enzyme 1; minus strand). Cytogenetic location: 3p12.2.
Variant type: single nucleotide variant.
Coding change: c.1496T>A on transcript NM_000158.4 (MANE Select); coding-DNA position 1496, T replaced by A.
Protein change: p.Met499Lys; replaces methionine 499 with lysine.
Molecular consequence: missense variant.
Genome position (GRCh38, 1-based): chr3:81,578,047, A>T on the plus strand (T>A on the coding strand, the complement: GBE1 is on the minus strand). VCF-style: chr3-81578047-A-T. GRCh37 (hg19) VCF-style: chr3-81627198-A-T.
Other names: short protein forms M499K.
Identifiers: ClinVar variation 1695411 (VCV001695411.2), dbSNP rs1703672969, ClinGen allele CA353684811.